The following is an entry in ClinVar:

NM_199420.4(POLQ):c.2305C>G (p.Leu769Val)

Gene: POLQ (DNA polymerase theta; minus strand). Cytogenetic location: 3q13.33.
Variant type: single nucleotide variant.
Coding change: c.2305C>G on transcript NM_199420.4 (MANE Select); coding-DNA position 2305, C replaced by G.
Protein change: p.Leu769Val; replaces leucine 769 with valine.
Molecular consequence: missense variant.
Genome position (GRCh38, 1-based): chr3:121,493,695, G>C on the plus strand (C>G on the coding strand, the complement: POLQ is on the minus strand). VCF-style: chr3-121493695-G-C. GRCh37 (hg19) VCF-style: chr3-121212542-G-C.
Other names: short protein forms L769V.
Identifiers: ClinVar variation 2448934 (VCV002448934.2), dbSNP rs1376476029, ClinGen allele CA354108253.

ClinVar aggregate classification (germline): Uncertain significance (1 of 4 stars; one submission).

Allele frequency attached by ClinVar (database versions not stated): gnomAD exomes below 0.00001.
gnomAD v4.1: 1 of 1,613,750 alleles (0.000062%); highest among the groups gnomAD compares: Admixed American, 0.0017%; no homozygotes.

Submission:

Ambry Genetics
Classification: Uncertain significance. Last evaluated: 2022-12-12. Review status: criteria provided, single submitter. Criteria: Ambry Variant Classification Scheme 2023. Collection method: clinical testing. Allele origin: germline.
Comment: The p.L769V variant (also known as c.2305C>G), located in coding exon 15 of the POLQ gene, results from a C to G substitution at nucleotide position 2305. The leucine at codon 769 is replaced by valine, an amino acid with highly similar properties. This amino acid position is conserved. In addition, the in silico prediction for this alteration is inconclusive. Since supporting evidence is limited at this time, the clinical significance of this alteration remains unclear.